The following is an entry in ClinVar:

ClinVar aggregate classification (germline): Pathogenic (1 of 4 stars; one submission).

Conditions:
Charcot-Marie-Tooth disease type 2. Also called: Charcot-Marie-Tooth type 2. Identifiers: Orphanet 64746, MedGen C0270914, MONDO:0018993.

Submission:

Labcorp Genetics (formerly Invitae), Labcorp
Classification: Pathogenic for Charcot-Marie-Tooth disease type 2. Last evaluated: 2022-03-18. Review status: criteria provided, single submitter. Criteria: Invitae Variant Classification Sherloc (09022015). Collection method: clinical testing. Allele origin: germline.
Comment: For these reasons, this variant has been classified as Pathogenic. This sequence change creates a premature translational stop signal (p.Ser5Profs*91) in the LMNA gene. It is expected to result in an absent or disrupted protein product. Loss-of-function variants in LMNA are known to be pathogenic (PMID: 18585512, 18926329). This variant is not present in population databases (gnomAD no frequency). This variant has not been reported in the literature in individuals affected with LMNA-related conditions. ClinVar contains an entry for this variant (Variation ID: 938501).

Literature cited by the submitters: PubMed 18585512; PubMed 18926329.

NM_170707.4(LMNA):c.13del (p.Ser5fs)

Gene: LMNA (lamin A/C; plus strand). Cytogenetic location: 1q22.
Variant type: Deletion.
Coding change: c.13del on transcript NM_170707.4 (MANE Select); coding-DNA position 13, one base deleted (T; older notation c.13delT).
Protein change: p.Ser5fs; shifts the reading frame from serine 5.
Molecular consequence: frameshift variant.
Genome position (GRCh38, 1-based): chr1:156,114,931, T deleted. VCF-style (leftmost placement, unchanged base first): chr1-156114930-GT-G. GRCh37 (hg19) VCF-style: chr1-156084721-GT-G.
Other names: c.13del, p.Ser5fs (NM_001282625.2, NM_001282626.2, NM_005572.4 and 1 more transcripts); short protein forms S5fs.
Identifiers: ClinVar variation 938501 (VCV000938501.7), dbSNP rs1649695841, ClinGen allele CA1139656349.
Genomic context (GRCh38, chr1:156,114,930, plus strand): 5'-CCCTTTCCGGGACCCCTGCCCCGCGGGCAGCGCTGCCAACCTGCCGGCCATGGAGACCCC[GT>G]CCCAGCGGCGCGCCACCCGCAGCGGGGCGCAGGCCAGCTCCACTCCGCTGTCGCCCACCC-3'